The following is an entry in ClinVar:

ClinVar aggregate classification (germline): Uncertain significance (1 of 4 stars; one submission).

Submission:

Ambry Genetics
Classification: Uncertain significance. Last evaluated: 2025-11-05. Review status: criteria provided, single submitter. Criteria: Ambry Variant Classification Scheme 2023. Collection method: clinical testing. Allele origin: germline.
Comment: The p.S641A variant (also known as c.1921T>G), located in coding exon 11 of the PALLD gene, results from a T to G substitution at nucleotide position 1921. The serine at codon 641 is replaced by alanine, an amino acid with similar properties. This amino acid position is conserved. In addition, this alteration is predicted to be tolerated by in silico analysis. Based on the available evidence, the clinical significance of this variant remains unclear.

NM_001166108.2(PALLD):c.*107T>G

Genes: CBR4 (carbonyl reductase 4; minus strand), PALLD (palladin, cytoskeletal associated protein; plus strand). Cytogenetic location: 4q32.3.
Variant type: single nucleotide variant.
Coding change: c.*107T>G on transcript NM_001166108.2 (MANE Select); 107 bases downstream of the stop codon, T replaced by G.
Molecular consequence: 3 prime UTR variant. On other transcripts: missense variant (4).
Genome position (GRCh38, 1-based): chr4:168,926,287, T>G. VCF-style: chr4-168926287-T-G. GRCh37 (hg19) VCF-style: chr4-169847438-T-G.
Other names: c.2236T>G, p.Ser746Ala (NM_001166109.2); c.1921T>G, p.Ser641Ala (NM_001166110.2); c.*107T>G (NM_001367567.1, NM_001367570.1, NM_016081.4); c.1312T>G, p.Ser438Ala (NM_001367568.1); c.1261T>G, p.Ser421Ala (NM_001367569.1); short protein forms S438A, S421A, S641A, S746A.
Identifiers: ClinVar variation 4564172 (VCV004564172.1).